The following is an entry in ClinVar:

ClinVar aggregate classification (germline): Uncertain significance (1 of 4 stars; one submission).

gnomAD v4.1: 2 of 1,209,028 alleles (0.00017%); highest among the groups gnomAD compares: Non-Finnish European, 0.00022%; no homozygotes.

Submission:

CeGaT Center for Human Genetics Tuebingen
Classification: Uncertain significance. Last evaluated: 2024-09-01. Review status: criteria provided, single submitter. Criteria: CeGaT Center For Human Genetics Tuebingen Variant Classification Criteria Version 2. Collection method: clinical testing. Allele origin: germline. Affected: yes. Observed: 1 variant allele.
Comment: FGD1: PM2, PP2

NM_004463.3(FGD1):c.1459C>T (p.Arg487Cys)

Gene: FGD1 (FYVE, RhoGEF and PH domain containing 1; minus strand). Cytogenetic location: Xp11.22.
Variant type: single nucleotide variant.
Coding change: c.1459C>T on transcript NM_004463.3 (MANE Select); coding-DNA position 1459, C replaced by T.
Protein change: p.Arg487Cys; replaces arginine 487 with cysteine.
Molecular consequence: missense variant.
Genome position (GRCh38, 1-based): chrX:54,465,734, G>A on the plus strand (C>T on the coding strand, the complement: FGD1 is on the minus strand). VCF-style: chrX-54465734-G-A. GRCh37 (hg19) VCF-style: chrX-54492167-G-A.
Other names: short protein forms R487C.
Identifiers: ClinVar variation 3389660 (VCV003389660.14).